The following is an entry in ClinVar:

ClinVar aggregate classification (germline): Uncertain significance (1 of 4 stars; one submission).

Submission:

Ambry Genetics
Classification: Uncertain significance. Last evaluated: 2024-07-05. Review status: criteria provided, single submitter. Criteria: Ambry Variant Classification Scheme 2023. Collection method: clinical testing. Allele origin: germline.
Comment: The p.H2066L variant (also known as c.6197A>T), located in coding exon 10 of the ALPK2 gene, results from an A to T substitution at nucleotide position 6197. The histidine at codon 2066 is replaced by leucine, an amino acid with similar properties. This amino acid position is conserved. In addition, the in silico prediction for this alteration is inconclusive. Based on the available evidence, the clinical significance of this variant remains unclear.

NM_052947.4(ALPK2):c.6197A>T (p.His2066Leu)

Gene: ALPK2 (alpha kinase 2; minus strand). Cytogenetic location: 18q21.31.
Variant type: single nucleotide variant.
Coding change: c.6197A>T on transcript NM_052947.4 (MANE Select); coding-DNA position 6197, A replaced by T.
Protein change: p.His2066Leu; replaces histidine 2066 with leucine.
Molecular consequence: missense variant.
Genome position (GRCh38, 1-based): chr18:58,503,981, T>A on the plus strand (A>T on the coding strand, the complement: ALPK2 is on the minus strand). VCF-style: chr18-58503981-T-A. GRCh37 (hg19) VCF-style: chr18-56171213-T-A.
Other names: short protein forms H2066L.
Identifiers: ClinVar variation 3530657 (VCV003530657.1).